The following is an entry in ClinVar:

ClinVar aggregate classification (germline): Uncertain significance (1 of 4 stars; one submission).

Submission:

CeGaT Center for Human Genetics Tuebingen
Classification: Uncertain significance. Last evaluated: 2023-05-01. Review status: criteria provided, single submitter. Criteria: CeGaT Center For Human Genetics Tuebingen Variant Classification Criteria Version 2. Collection method: clinical testing. Allele origin: germline. Affected: yes. Observed: 2 variant alleles.
Comment: TTN: PM2, PP3

NM_001267550.2(TTN):c.106843C>T (p.Gln35615Ter)

Genes: TTN (titin; minus strand), TTN-AS1 (TTN antisense RNA 1; plus strand). Cytogenetic location: 2q31.2.
Variant type: single nucleotide variant.
Coding change: c.106843C>T on transcript NM_001267550.2 (MANE Select); coding-DNA position 106843, C replaced by T.
Protein change: p.Gln35615Ter; replaces glutamine 35615 with a stop codon.
Molecular consequence: nonsense.
Genome position (GRCh38, 1-based): chr2:178,528,908, G>A on the plus strand (C>T on the coding strand, the complement: TTN is on the minus strand). VCF-style: chr2-178528908-G-A. GRCh37 (hg19) VCF-style: chr2-179393635-G-A.
Other names: c.79648C>T, p.Gln26550Ter (NM_003319.4); c.99139C>T, p.Gln33047Ter (NM_133378.4); c.80023C>T, p.Gln26675Ter (NM_133432.3); c.80224C>T, p.Gln26742Ter (NM_133437.4); c.101920C>T, p.Gln33974Ter (NM_001256850.1); short protein forms Q26550*, Q26675*, Q26742*, Q33047*, Q33974*, Q35615*.
Identifiers: ClinVar variation 2498847 (VCV002498847.28), dbSNP rs2468304657, ClinGen allele CA349402895.
Genomic context (GRCh38, chr2:178,528,908, plus strand): 5'-CAGTGGCACCAGCAATGTTGGCTTTTAAAACCAGTCTTTGACCTTCGTTTATGCTCATCT[G>A]AGTAGAAAATGCTTTAATCTCAGCATGAGTTCTGACTTCTTCTGATGCCTGTGATGTTTT-3'